The following is an entry in ClinVar:

ClinVar aggregate classification (germline): Benign (1 of 4 stars; one submission).

Allele frequency attached by ClinVar (database versions not stated): 1000 Genomes Project 0.27875; 1000 Genomes Project 30x 0.27983; TOPMed 0.28911; gnomAD 0.30931 and 0.31138.
gnomAD v4.1: 46,188 of 147,972 alleles (31%); highest among the groups gnomAD compares: South Asian, 39%; 8,181 homozygotes.

Submission:

GeneDx
Classification: Benign. Last evaluated: 2018-06-14. Review status: criteria provided, single submitter. Criteria: GeneDx Variant Classification (06012015). Collection method: clinical testing. Allele origin: germline. Affected: yes.
Comment: This variant is considered likely benign or benign based on one or more of the following criteria: it is a conservative change, it occurs at a poorly conserved position in the protein, it is predicted to be benign by multiple in silico algorithms, and/or has population frequency not consistent with disease.

NM_213649.2(SFXN4):c.253-297A>T

Gene: SFXN4 (sideroflexin 4; minus strand). Cytogenetic location: 10q26.11.
Variant type: single nucleotide variant.
Coding change: c.253-297A>T on transcript NM_213649.2 (MANE Select); 297 bases into the intron before coding-DNA position 253, A replaced by T.
Molecular consequence: intron variant.
Genome position (GRCh38, 1-based): chr10:119,161,378, T>A on the plus strand (A>T on the coding strand, the complement: SFXN4 is on the minus strand). VCF-style: chr10-119161378-T-A. GRCh37 (hg19) VCF-style: chr10-120920890-T-A.
Identifiers: ClinVar variation 667483 (VCV000667483.1), dbSNP rs12762732, ClinGen allele CA13230442.